The following is an entry in ClinVar:

ClinVar aggregate classification (germline): Conflicting classifications of pathogenicity. Review status: criteria provided, conflicting classifications (1 of 4 stars). 11 submissions from 9 submitters: Uncertain significance (3); Likely benign (6). 2 of the submissions do not count toward it. Last evaluated 2026-03-16.

Conditions:
Arrhythmogenic cardiomyopathy with wooly hair and keratoderma. Also called: Dilated cardiomyopathy with woolly hair and keratoderma; Arrhythmogenic cardiomyopathy with woolly hair and keratoderma; Carvajal syndrome; PALMOPLANTAR KERATODERMA WITH LEFT VENTRICULAR CARDIOMYOPATHY AND WOOLLY HAIR. Identifiers: Orphanet 65282, MedGen C1854063, MONDO:0011581, OMIM 605676.
Arrhythmogenic right ventricular dysplasia 8 (ARVD8). Also called: Arrhythmogenic Right Ventricular Dysplasia/Cardiomyopathy 8; ARRHYTHMOGENIC RIGHT VENTRICULAR CARDIOMYOPATHY 8; ARRHYTHMOGENIC RIGHT VENTRICULAR DYSPLASIA, FAMILIAL, 8. Identifiers: MedGen C1843896, MONDO:0011831, OMIM 607450.
Woolly hair-skin fragility syndrome (WHSF). Identifiers: Orphanet 293165, MedGen C1843292, MONDO:0957307, OMIM 620415.
Lethal acantholytic epidermolysis bullosa (EBLA). Identifiers: Orphanet 158687, MedGen C1864826, MONDO:0012323, OMIM 609638.
Cardiomyopathy (CMYO). Also called: Cardiomyopathies. Identifiers: Orphanet 167848, MedGen C0878544, MONDO:0004994, HP:0001638. Inheritance: Various modes of inheritance.

Allele frequency attached by ClinVar (database versions not stated): ExAC 0.00007; gnomAD exomes 0.00008 and 0.00017; gnomAD 0.00013; TOPMed 0.00013; ESP Exome Variant Server 0.00031.
gnomAD v4.1: 258 of 1,613,970 alleles (0.016%); highest among the groups gnomAD compares: Non-Finnish European, 0.022%; no homozygotes.

Submissions (12):

Women's Health and Genetics/Laboratory Corporation of America, LabCorp
Classification: Likely benign. Last evaluated: 2026-03-16. Review status: criteria provided, single submitter. Criteria: LabCorp Variant Classification Summary - May 2015. Collection method: clinical testing. Allele origin: germline.
Comment: Variant summary: DSP c.1575-15C>G alters a nucleotide located at a position not widely known to affect splicing. Consensus agreement among computation tools predict no significant impact on normal splicing. However, these predictions have yet to be confirmed by functional studies. The variant allele was found at a frequency of 8e-05 in 251440 control chromosomes, predominantly at a frequency of 0.00017 within the Non-Finnish European subpopulation in the gnomAD database. This frequency is not significantly higher than estimated for disease-causing variants in DSP, allowing no conclusion about variant significance. To our knowledge, no occurrence of c.1575-15C>G in individuals affected with DSP-related conditions and no experimental evidence demonstrating its impact on protein function have been reported. ClinVar contains an entry for this variant (Variation ID: 516260). Based on the evidence outlined above, the variant was classified as likely benign.

Labcorp Genetics (formerly Invitae), Labcorp
Classification: Likely benign for Arrhythmogenic cardiomyopathy with wooly hair and keratoderma; Arrhythmogenic right ventricular dysplasia 8. Last evaluated: 2026-01-19. Review status: criteria provided, single submitter. Criteria: Invitae Variant Classification Sherloc (09022015). Collection method: clinical testing. Allele origin: germline.

Blueprint Genetics
Classification: Likely benign. Last evaluated: 2024-11-15. Review status: criteria provided, single submitter. Criteria: ACMG Guidelines, 2015. Collection method: clinical testing. Allele origin: germline.

All of Us Research Program, National Institutes of Health
Classification: Likely benign for Arrhythmogenic cardiomyopathy with wooly hair and keratoderma. Last evaluated: 2023-12-18. Review status: criteria provided, single submitter. Criteria: ACMG Guidelines, 2015. Collection method: clinical testing. Allele origin: germline. Inheritance: Autosomal dominant inheritance. Observed: 36 variant alleles, 36 heterozygotes.
Comment: This study involves interpretation of variants in research participants for the purpose of population health screening. Participant phenotype was not available at the time of variant classification. Additional details can be found in publication PMID: 35346344, PMCID: PMC8962531

Color Diagnostics, LLC DBA Color Health
Classification: Likely benign for Cardiomyopathy. Last evaluated: 2018-09-17. Review status: criteria provided, single submitter. Criteria: ACMG Guidelines, 2015. Collection method: clinical testing. Allele origin: germline.

Illumina Laboratory Services, Illumina
Classification: Uncertain significance for Arrhythmogenic cardiomyopathy with wooly hair and keratoderma. Last evaluated: 2018-01-13. Review status: criteria provided, single submitter. Criteria: ICSL Variant Classification Criteria 13 December 2019. Collection method: clinical testing. Allele origin: germline.

Illumina Laboratory Services, Illumina
Classification: Uncertain significance for Lethal acantholytic epidermolysis bullosa. Last evaluated: 2018-01-13. Review status: criteria provided, single submitter. Criteria: ICSL Variant Classification Criteria 13 December 2019. Collection method: clinical testing. Allele origin: germline.

Illumina Laboratory Services, Illumina
Classification: Uncertain significance for Arrhythmogenic right ventricular dysplasia 8. Last evaluated: 2018-01-13. Review status: criteria provided, single submitter. Criteria: ICSL Variant Classification Criteria 13 December 2019. Collection method: clinical testing. Allele origin: germline.

GeneDx
Classification: Likely benign. Last evaluated: 2017-12-15. Review status: criteria provided, single submitter. Criteria: GeneDx Variant Classification (06012015). Collection method: clinical testing. Allele origin: germline. Affected: yes.
Comment: This variant is considered likely benign or benign based on one or more of the following criteria: it is a conservative change, it occurs at a poorly conserved position in the protein, it is predicted to be benign by multiple in silico algorithms, and/or has population frequency not consistent with disease.

Clinical Genetics, Academic Medical Center
Classification: Benign. Review status: no assertion criteria provided. Collection method: clinical testing. Allele origin: germline. Affected: yes. Study: VKGL Data-share Consensus. Not counted in ClinVar's aggregate classification.

Diagnostic Laboratory, Department of Genetics, University Medical Center Groningen
Classification: Likely benign. Review status: no assertion criteria provided. Collection method: clinical testing. Allele origin: germline. Affected: yes. Study: VKGL Data-share Consensus. Not counted in ClinVar's aggregate classification.

Dr. Peter K. Rogan Lab, Western University
No classification provided (evidence only). Condition: Malignant tumor of esophagus. Review status: no classification provided. Collection method: in vitro. Allele origin: not applicable. Functional consequence: retained intron. Not counted in ClinVar's aggregate classification.

NM_004415.4(DSP):c.1575-15C>G

Gene: DSP (desmoplakin; plus strand). Cytogenetic location: 6p24.3.
Variant type: single nucleotide variant.
Coding change: c.1575-15C>G on transcript NM_004415.4 (MANE Select); 15 bases into the intron before coding-DNA position 1575, C replaced by G.
Molecular consequence: intron variant.
Genome position (GRCh38, 1-based): chr6:7,570,422, C>G. VCF-style: chr6-7570422-C-G. GRCh37 (hg19) VCF-style: chr6-7570655-C-G.
Other names: c.1575-15C>G (LRG_423t1, NM_001319034.2, NM_001008844.3).
Identifiers: ClinVar variation 516260 (VCV000516260.22), dbSNP rs369184165, ClinGen allele CA028898.